The following is an entry in ClinVar:

ClinVar aggregate classification (germline): Pathogenic (0 of 4 stars; one submission).

Conditions:
Fucosidosis. Also called: ALPHA-L-FUCOSIDASE DEFICIENCY. Identifiers: Orphanet 349, MedGen C0016788, MONDO:0009254, OMIM 230000.

Submission:

Research Laboratory of Human Genome and Multifactorial Diseases, Faculty of Pharmacy, University of Monastir
Classification: Pathogenic for Fucosidosis. Review status: no assertion criteria provided. Collection method: research. Allele origin: inherited. Inheritance: Autosomal recessive inheritance. Affected: yes. Observed: 1 homozygote.
Comment: Clinical examination detected hepatomegaly, macroglossia, and slight facial dysmorphism with severe growth retardation. Neurological involvement worsened to an array of spastic quadriplegia, loss of communication, blindness, and epilepsy.

NM_000147.5(FUCA1):c.170del (p.Lys57fs)

Gene: FUCA1 (alpha-L-fucosidase 1; minus strand). Cytogenetic location: 1p36.11.
Variant type: Deletion.
Coding change: c.170del on transcript NM_000147.5 (MANE Select); coding-DNA position 170, one base deleted (A; older notation c.170delA).
Protein change: p.Lys57fs; shifts the reading frame from lysine 57.
Molecular consequence: frameshift variant.
Genome position (GRCh38, 1-based): chr1:23,868,117, T deleted on the plus strand (A on the coding strand, the reverse complement: FUCA1 is on the minus strand); the first of 2 consecutive T bases (chr1:23,868,117-23,868,118); deleting either gives the same sequence. VCF-style (leftmost placement, unchanged base first): chr1-23868116-CT-C. GRCh37 (hg19) VCF-style: chr1-24194606-CT-C.
Other names: short protein forms K57fs.
Identifiers: ClinVar variation 979025 (VCV000979025.3), dbSNP rs1639663980, ClinGen allele CA1139656005.